The following is an entry in ClinVar:

ClinVar aggregate classification (germline): Uncertain significance. Review status: criteria provided, multiple submitters, no conflicts (2 of 4 stars). 2 submissions from 2 submitters: Uncertain significance (2). Last evaluated 2024-06-24.

Allele frequency attached by ClinVar (database versions not stated): ExAC 0.00001; gnomAD exomes 0.00002.
gnomAD v4.1: 47 of 1,613,476 alleles (0.0029%); highest among the groups gnomAD compares: Non-Finnish European, 0.004%; 1 homozygote.

Submissions (2):

Women's Health and Genetics/Laboratory Corporation of America, LabCorp
Classification: Uncertain significance. Last evaluated: 2024-06-24. Review status: criteria provided, single submitter. Criteria: LabCorp Variant Classification Summary - May 2015. Collection method: clinical testing. Allele origin: germline.

GeneDx
Classification: Uncertain significance. Last evaluated: 2019-05-03. Review status: criteria provided, single submitter. Criteria: GeneDx Variant Classification Process June 2021. Collection method: clinical testing. Allele origin: germline. Affected: yes.
Comment: In silico analysis, which includes protein predictors and evolutionary conservation, supports a deleterious effect; Has not been previously published as pathogenic or benign to our knowledge

NM_032581.4(HYCC1):c.158T>G (p.Leu53Arg)

Gene: HYCC1 (hyccin PI4KA lipid kinase complex subunit 1; minus strand). Cytogenetic location: 7p15.3.
Variant type: single nucleotide variant.
Coding change: c.158T>G on transcript NM_032581.4 (MANE Select); coding-DNA position 158, T replaced by G.
Protein change: p.Leu53Arg; replaces leucine 53 with arginine.
Molecular consequence: missense variant.
Genome position (GRCh38, 1-based): chr7:22,978,444, A>C on the plus strand (T>G on the coding strand, the complement: HYCC1 is on the minus strand). VCF-style: chr7-22978444-A-C. GRCh37 (hg19) VCF-style: chr7-23018063-A-C.
Other names: c.158T>G, p.Leu53Arg (NM_001363466.2, NM_001363467.2); short protein forms L53R.
Identifiers: ClinVar variation 1305628 (VCV001305628.3), dbSNP rs72549407, ClinGen allele CA4186081.